The following is an entry in ClinVar:

NM_006231.4(POLE):c.721-54A>G

Gene: POLE (DNA polymerase epsilon, catalytic subunit; minus strand). Cytogenetic location: 12q24.33.
Variant type: single nucleotide variant.
Coding change: c.721-54A>G on transcript NM_006231.4 (MANE Select); 54 bases into the intron before coding-DNA position 721, A replaced by G.
Molecular consequence: intron variant.
Genome position (GRCh38, 1-based): chr12:132,677,497, T>C on the plus strand (A>G on the coding strand, the complement: POLE is on the minus strand). VCF-style: chr12-132677497-T-C. GRCh37 (hg19) VCF-style: chr12-133254083-T-C.
Identifiers: ClinVar variation 676488 (VCV000676488.2), dbSNP rs5744750, ClinGen allele CA13680154.

ClinVar aggregate classification (germline): Benign. Review status: criteria provided, multiple submitters, no conflicts (2 of 4 stars). 2 submissions from 2 submitters: Benign (2). Last evaluated 2018-06-20.

Allele frequency attached by ClinVar (database versions not stated): 1000 Genomes Project 30x 0.43176; 1000 Genomes Project 0.43550; TOPMed 0.48955; gnomAD 0.49958 and 0.50355; ESP Exome Variant Server 0.51533; gnomAD exomes 0.54735.
gnomAD v4.1: 872,494 of 1,607,978 alleles (54%); highest among the groups gnomAD compares: Non-Finnish European, 57%; 240,266 homozygotes.

Submissions (2):

GeneDx
Classification: Benign. Last evaluated: 2018-06-20. Review status: criteria provided, single submitter. Criteria: GeneDx Variant Classification (06012015). Collection method: clinical testing. Allele origin: germline. Affected: yes.
Comment: This variant is considered likely benign or benign based on one or more of the following criteria: it is a conservative change, it occurs at a poorly conserved position in the protein, it is predicted to be benign by multiple in silico algorithms, and/or has population frequency not consistent with disease.

Breakthrough Genomics
Classification: Benign. Review status: criteria provided, single submitter. Criteria: ACMG Guidelines, 2015. Collection method: not provided. Allele origin: germline. Inheritance: Autosomal recessive inheritance. Affected: yes.